The following is an entry in ClinVar:

NM_000138.5(FBN1):c.1458G>A (p.Gly486=)

Gene: FBN1 (fibrillin 1; minus strand). Cytogenetic location: 15q21.1.
Variant type: single nucleotide variant.
Coding change: c.1458G>A on transcript NM_000138.5 (MANE Select); coding-DNA position 1458, G replaced by A.
Protein change: p.Gly486=; no amino-acid change (glycine 486 retained).
Molecular consequence: synonymous variant.
Genome position (GRCh38, 1-based): chr15:48,515,397, C>T on the plus strand (G>A on the coding strand, the complement: FBN1 is on the minus strand). VCF-style: chr15-48515397-C-T. GRCh37 (hg19) VCF-style: chr15-48807594-C-T.
Other names: c.1458G>A, p.Gly486= (NM_001406716.1).
Identifiers: ClinVar variation 3073373 (VCV003073373.3), dbSNP rs766839681, ClinGen allele CA044658.

ClinVar aggregate classification (germline): Likely benign. Review status: criteria provided, multiple submitters, no conflicts (2 of 4 stars). 3 submissions from 3 submitters: Likely benign (3). Last evaluated 2024-04-17.

Conditions:
Familial thoracic aortic aneurysm and aortic dissection (TAAD). Also called: Thoracic aortic aneurysms and dissections. Identifiers: Orphanet 91387, MedGen C4707243, MONDO:0019625.
Marfan syndrome (MFS). Also called: MARFAN SYNDROME, TYPE I; Marfan syndrome type 1; Marfan's syndrome; Marfan syndrome, classic; FBN1-Related Marfan Syndrome. Identifiers: Orphanet 284963, Orphanet 558, MedGen C0024796, MONDO:0007947, OMIM 154700.

Allele frequency attached by ClinVar (database versions not stated): gnomAD 0.00001; ExAC 0.00001; gnomAD exomes below 0.00001.
gnomAD v4.1: 2 of 1,613,794 alleles (0.00012%); highest among the groups gnomAD compares: Admixed American, 0.0017%; no homozygotes.

Submissions (3):

Women's Health and Genetics/Laboratory Corporation of America, LabCorp
Classification: Likely benign. Last evaluated: 2024-04-17. Review status: criteria provided, single submitter. Criteria: LabCorp Variant Classification Summary - May 2015. Collection method: clinical testing. Allele origin: germline.

All of Us Research Program, National Institutes of Health
Classification: Likely benign for Marfan syndrome. Last evaluated: 2023-11-20. Review status: criteria provided, single submitter. Criteria: ACMG Guidelines, 2015. Collection method: clinical testing. Allele origin: germline. Inheritance: Autosomal dominant inheritance. Observed: 2 variant alleles, 2 heterozygotes.
Comment: This study involves interpretation of variants in research participants for the purpose of population health screening. Participant phenotype was not available at the time of variant classification. Additional details can be found in publication PMID: 35346344, PMCID: PMC8962531

Color Diagnostics, LLC DBA Color Health
Classification: Likely benign for Familial thoracic aortic aneurysm and aortic dissection. Last evaluated: 2023-09-06. Review status: criteria provided, single submitter. Criteria: ACMG Guidelines, 2015. Collection method: clinical testing. Allele origin: germline.